The following is an entry in ClinVar:

NM_032380.5(GFM2):c.1916C>A (p.Pro639Gln)

Gene: GFM2 (GTP dependent ribosome recycling factor mitochondrial 2; minus strand). Cytogenetic location: 5q13.3.
Variant type: single nucleotide variant.
Coding change: c.1916C>A on transcript NM_032380.5 (MANE Select); coding-DNA position 1916, C replaced by A.
Protein change: p.Pro639Gln; replaces proline 639 with glutamine.
Molecular consequence: missense variant. On other transcripts: non-coding transcript variant (1).
Genome position (GRCh38, 1-based): chr5:74,725,752, G>T on the plus strand (C>A on the coding strand, the complement: GFM2 is on the minus strand). VCF-style: chr5-74725752-G-T. GRCh37 (hg19) VCF-style: chr5-74021577-G-T.
Other names: c.2012C>A, p.Pro671Gln (NM_001281302.2); c.1775C>A, p.Pro592Gln (NM_170691.3); short protein forms P592Q, P639Q, P671Q.
Identifiers: ClinVar variation 3365871 (VCV003365871.1).

ClinVar aggregate classification (germline): Uncertain significance (1 of 4 stars; one submission).

Submission:

GeneDx
Classification: Uncertain significance. Last evaluated: 2023-12-20. Review status: criteria provided, single submitter. Criteria: GeneDx Variant Classification Process June 2021. Collection method: clinical testing. Allele origin: germline. Affected: yes.
Comment: Not observed at significant frequency in large population cohorts (gnomAD); In silico analysis supports that this missense variant has a deleterious effect on protein structure/function; Has not been previously published as pathogenic or benign to our knowledge